The following is an entry in ClinVar:

NM_053054.4(CATSPER1):c.1544-6C>T

Gene: CATSPER1 (cation channel sperm associated 1; minus strand). Cytogenetic location: 11q13.1.
Variant type: single nucleotide variant.
Coding change: c.1544-6C>T on transcript NM_053054.4 (MANE Select); 6 bases into the intron before coding-DNA position 1544, C replaced by T.
Molecular consequence: intron variant.
Genome position (GRCh38, 1-based): chr11:66,021,649, G>A on the plus strand (C>T on the coding strand, the complement: CATSPER1 is on the minus strand). VCF-style: chr11-66021649-G-A. GRCh37 (hg19) VCF-style: chr11-65789120-G-A.
Identifiers: ClinVar variation 305424 (VCV000305424.33), dbSNP rs147398525, ClinGen allele CA6114620.

ClinVar aggregate classification (germline): Conflicting classifications of pathogenicity. Review status: criteria provided, conflicting classifications (1 of 4 stars). 3 submissions from 3 submitters: Uncertain significance (1); Benign (1); Likely benign (1). Last evaluated 2023-01-01.

Conditions:
Spermatogenic failure 7. Also called: MALE INFERTILITY, NONSYNDROMIC, AUTOSOMAL RECESSIVE. Identifiers: Orphanet 276234, MedGen C2751811, MONDO:0013070, OMIM 612997.

Allele frequency attached by ClinVar (database versions not stated): gnomAD 0.00598 and 0.00613; TOPMed 0.00608; 1000 Genomes Project 30x 0.00640; gnomAD exomes 0.00673 and 0.00833; 1000 Genomes Project 0.00679; ExAC 0.00769; ESP Exome Variant Server 0.00939.
gnomAD v4.1: 12,957 of 1,606,572 alleles (0.81%); highest among the groups gnomAD compares: Non-Finnish European, 0.93%; 69 homozygotes.

Submissions (3):

CeGaT Center for Human Genetics Tuebingen
Classification: Likely benign. Last evaluated: 2023-01-01. Review status: criteria provided, single submitter. Criteria: CeGaT Center For Human Genetics Tuebingen Variant Classification Criteria Version 2. Collection method: clinical testing. Allele origin: germline. Affected: yes. Observed: 1 variant allele.
Comment: CATSPER1: BP4, BS2

Labcorp Genetics (formerly Invitae), Labcorp
Classification: Benign. Last evaluated: 2019-12-31. Review status: criteria provided, single submitter. Criteria: Invitae Variant Classification Sherloc (09022015). Collection method: clinical testing. Allele origin: germline.

Illumina Laboratory Services, Illumina
Classification: Uncertain significance for Spermatogenic failure 7. Last evaluated: 2018-01-13. Review status: criteria provided, single submitter. Criteria: ICSL Variant Classification Criteria 13 December 2019. Collection method: clinical testing. Allele origin: germline.